The following is an entry in ClinVar:

NM_020631.6(PLEKHG5):c.2161G>A (p.Glu721Lys)

Gene: PLEKHG5 (pleckstrin homology and RhoGEF domain containing G5; minus strand). Cytogenetic location: 1p36.31.
Variant type: single nucleotide variant.
Coding change: c.2161G>A on transcript NM_020631.6 (MANE Select); coding-DNA position 2161, G replaced by A.
Protein change: p.Glu721Lys; replaces glutamic acid 721 with lysine.
Molecular consequence: missense variant.
Genome position (GRCh38, 1-based): chr1:6,469,130, C>T on the plus strand (G>A on the coding strand, the complement: PLEKHG5 is on the minus strand). VCF-style: chr1-6469130-C-T. GRCh37 (hg19) VCF-style: chr1-6529190-C-T.
Other names: c.2272G>A, p.Glu758Lys (NM_001042663.3, NM_001265592.2); c.2161G>A, p.Glu721Lys (NM_001042664.2, NM_001042665.2, NM_001265594.3 and 1 more transcripts); c.2368G>A, p.Glu790Lys (NM_001265593.2); short protein forms E790K, E721K, E758K.
Identifiers: ClinVar variation 842705 (VCV000842705.5), dbSNP rs1020150780, ClinGen allele CA17234907.

ClinVar aggregate classification (germline): Uncertain significance (1 of 4 stars; one submission).

Conditions:
Charcot-Marie-Tooth disease recessive intermediate C. Also called: CHARCOT-MARIE-TOOTH NEUROPATHY, RECESSIVE INTERMEDIATE C. Identifiers: Orphanet 369867, MedGen C3809309, MONDO:0014154, OMIM 615376.
Neuronopathy, distal hereditary motor, autosomal recessive 4. Also called: Autosomal recessive lower motor neuron disease with childhood onset; NEUROPATHY, DISTAL HEREDITARY MOTOR, AUTOSOMAL RECESSIVE 4. Identifiers: Orphanet 206580, MedGen C1970211, MONDO:0012608, OMIM 611067.

Allele frequency attached by ClinVar (database versions not stated): gnomAD exomes below 0.00001.
gnomAD v4.1: 1 of 1,555,088 alleles (0.000064%); highest among the groups gnomAD compares: Non-Finnish European, 0.000087%; no homozygotes.

Submission:

Labcorp Genetics (formerly Invitae), Labcorp
Classification: Uncertain significance for Neuronopathy, distal hereditary motor, autosomal recessive 4; Charcot-Marie-Tooth disease recessive intermediate C. Last evaluated: 2022-07-12. Review status: criteria provided, single submitter. Criteria: Invitae Variant Classification Sherloc (09022015). Collection method: clinical testing. Allele origin: germline.
Comment: This sequence change replaces glutamic acid, which is acidic and polar, with lysine, which is basic and polar, at codon 721 of the PLEKHG5 protein (p.Glu721Lys). The frequency data for this variant in the population databases is considered unreliable, as metrics indicate poor data quality at this position in the gnomAD database. This variant has not been reported in the literature in individuals affected with PLEKHG5-related conditions. ClinVar contains an entry for this variant (Variation ID: 842705). Algorithms developed to predict the effect of missense changes on protein structure and function are either unavailable or do not agree on the potential impact of this missense change (SIFT: "Tolerated"; PolyPhen-2: "Possibly Damaging"; Align-GVGD: "Class C0"). In summary, the available evidence is currently insufficient to determine the role of this variant in disease. Therefore, it has been classified as a Variant of Uncertain Significance.